The following is an entry in ClinVar:

ClinVar aggregate classification (germline): Uncertain significance (1 of 4 stars; one submission).

Submission:

GeneDx
Classification: Uncertain significance. Last evaluated: 2024-03-09. Review status: criteria provided, single submitter. Criteria: GeneDx Variant Classification Process June 2021. Collection method: clinical testing. Allele origin: germline. Affected: yes.
Comment: Not observed at significant frequency in large population cohorts (gnomAD); In silico analysis supports that this missense variant does not alter protein structure/function; Has not been previously published as pathogenic or benign to our knowledge

NM_015365.3(AMMECR1):c.503G>A (p.Arg168Gln)

Gene: AMMECR1 (AMMECR nuclear protein 1; minus strand). Cytogenetic location: Xq23.
Variant type: single nucleotide variant.
Coding change: c.503G>A on transcript NM_015365.3 (MANE Select); coding-DNA position 503, G replaced by A.
Protein change: p.Arg168Gln; replaces arginine 168 with glutamine.
Molecular consequence: missense variant. On other transcripts: intron variant (1).
Genome position (GRCh38, 1-based): chrX:110,264,570, C>T on the plus strand (G>A on the coding strand, the complement: AMMECR1 is on the minus strand). VCF-style: chrX-110264570-C-T. GRCh37 (hg19) VCF-style: chrX-109507798-C-T.
Other names: c.134G>A, p.Arg45Gln (NM_001171689.2); c.474-47938G>A (NM_001025580.2); short protein forms R168Q, R45Q.
Identifiers: ClinVar variation 3370797 (VCV003370797.1).